The following is an entry in ClinVar:

ClinVar aggregate classification (germline): Uncertain significance (1 of 4 stars; one submission).

gnomAD v4.1: 21 of 1,606,790 alleles (0.0013%); highest among the groups gnomAD compares: Non-Finnish European, 0.0018%; no homozygotes.

Submission:

Labcorp Genetics (formerly Invitae), Labcorp
Classification: Uncertain significance. Last evaluated: 2022-06-14. Review status: criteria provided, single submitter. Criteria: Invitae Variant Classification Sherloc (09022015). Collection method: clinical testing. Allele origin: germline.
Comment: This sequence change replaces leucine, which is neutral and non-polar, with phenylalanine, which is neutral and non-polar, at codon 1599 of the COL27A1 protein (p.Leu1599Phe). This variant is present in population databases (no rsID available, gnomAD 0.007%). This variant has not been reported in the literature in individuals affected with COL27A1-related conditions. Advanced modeling of protein sequence and biophysical properties (such as structural, functional, and spatial information, amino acid conservation, physicochemical variation, residue mobility, and thermodynamic stability) performed at Invitae indicates that this missense variant is not expected to disrupt COL27A1 protein function. In summary, the available evidence is currently insufficient to determine the role of this variant in disease. Therefore, it has been classified as a Variant of Uncertain Significance.

NM_032888.4(COL27A1):c.4797G>T (p.Leu1599Phe)

Gene: COL27A1 (collagen type XXVII alpha 1 chain; plus strand). Cytogenetic location: 9q32.
Variant type: single nucleotide variant.
Coding change: c.4797G>T on transcript NM_032888.4 (MANE Select); coding-DNA position 4797, G replaced by T.
Protein change: p.Leu1599Phe; replaces leucine 1599 with phenylalanine.
Molecular consequence: missense variant.
Genome position (GRCh38, 1-based): chr9:114,301,450, G>T. VCF-style: chr9-114301450-G-T. GRCh37 (hg19) VCF-style: chr9-117063730-G-T.
Other names: short protein forms L1599F.
Identifiers: ClinVar variation 1987261 (VCV001987261.1), dbSNP rs761692511, ClinGen allele CA374593957.
Genomic context (GRCh38, chr9:114,301,450, plus strand): 5'-GGCCATGGCTCAGCCAGGTTCCCTAACTCTCTCCCCTGCTTCTGTCTCCCTCCAGGGATT[G>T]CAAGGTCCGAGGGTGAGTGGGCTGGGCATGAGGGCTGTGGGGCGGGGCGTGGGGCGGGCA-3'
Protein context (NP_116277.2, residues 1589-1609): GDKGSRGDWG[Leu1599Phe]QGPRGPPGPR